The following is an entry in ClinVar:

ClinVar aggregate classification (germline): Uncertain significance (1 of 4 stars; one submission).

Allele frequency attached by ClinVar (database versions not stated): gnomAD exomes below 0.00001 and 0.00002; gnomAD 0.00001; TOPMed 0.00001; ExAC 0.00002.
gnomAD v4.1: 9 of 1,612,586 alleles (0.00056%); highest among the groups gnomAD compares: South Asian, 0.0055%; 1 homozygote.

Submission:

Labcorp Genetics (formerly Invitae), Labcorp
Classification: Uncertain significance. Last evaluated: 2022-09-12. Review status: criteria provided, single submitter. Criteria: Invitae Variant Classification Sherloc (09022015). Collection method: clinical testing. Allele origin: germline.
Comment: In summary, the available evidence is currently insufficient to determine the role of this variant in disease. Therefore, it has been classified as a Variant of Uncertain Significance. Advanced modeling of protein sequence and biophysical properties (such as structural, functional, and spatial information, amino acid conservation, physicochemical variation, residue mobility, and thermodynamic stability) performed at Invitae indicates that this missense variant is not expected to disrupt CENPJ protein function. ClinVar contains an entry for this variant (Variation ID: 1356575). This variant has not been reported in the literature in individuals affected with CENPJ-related conditions. This variant is present in population databases (rs767940867, gnomAD 0.02%), including at least one homozygous and/or hemizygous individual. This sequence change replaces valine, which is neutral and non-polar, with isoleucine, which is neutral and non-polar, at codon 555 of the CENPJ protein (p.Val555Ile).

NM_018451.5(CPAP):c.1663G>A (p.Val555Ile)

Gene: CPAP (centrosome assembly and centriole elongation protein; minus strand). Cytogenetic location: 13q12.13.
Variant type: single nucleotide variant.
Coding change: c.1663G>A on transcript NM_018451.5 (MANE Select); coding-DNA position 1663, G replaced by A.
Protein change: p.Val555Ile; replaces valine 555 with isoleucine.
Molecular consequence: missense variant. On other transcripts: non-coding transcript variant (2).
Genome position (GRCh38, 1-based): chr13:24,906,375, C>T on the plus strand (G>A on the coding strand, the complement: CPAP is on the minus strand). VCF-style: chr13-24906375-C-T. GRCh37 (hg19) VCF-style: chr13-25480513-C-T.
Other names: short protein forms V555I.
Identifiers: ClinVar variation 1356575 (VCV001356575.8), dbSNP rs767940867, ClinGen allele CA6919715.